The following is an entry in ClinVar:

ClinVar aggregate classification (germline): Pathogenic/Likely pathogenic. Review status: criteria provided, multiple submitters, no conflicts (2 of 4 stars). 4 submissions from 4 submitters: Pathogenic (1); Likely pathogenic (2). 1 of the submissions does not count toward it. Last evaluated 2025-12-30.

Conditions:
HEMOGLOBIN DARTMOUTH.
alpha Thalassemia. Also called: Alpha thalassemia spectrum. Identifiers: Orphanet 846, MedGen C0002312, MONDO:0011399, OMIM 604131.

Submissions (4):

Natera, Inc.
Classification: Likely pathogenic for Alpha thalassemia. Last evaluated: 2025-12-30. Review status: criteria provided, single submitter. Criteria: Natera Variant Classification Schema (03/2026). Collection method: clinical testing. Allele origin: germline.
Comment: The c.200T>C variant in HBA2 is a missense variant predicted to cause substitution of leucine to proline at amino acid 67. This variant is rare in the general population with a frequency below the threshold expected for the associated phenotype(s). This variant has been observed in one or more individuals affected with the associated recessive disease, as either homozygous or compound heterozygous with a second variant (PMID: 25976777, 11791870). This variant has been identified in one or more affected individual with a phenotype highly consistent with the associated gene (PMID: 11791870, 25976777). Computational prediction algorithms indicate this variant is likely to affect gene or protein function. Given the available evidence, this variant is classified as Likely Pathogenic.

Women's Health and Genetics/Laboratory Corporation of America, LabCorp
Classification: Likely pathogenic for alpha Thalassemia. Last evaluated: 2024-08-22. Review status: criteria provided, single submitter. Criteria: LabCorp Variant Classification Summary - May 2015. Collection method: clinical testing. Allele origin: germline.
Comment: Variant summary: HBA2 c.200T>C (p.Leu67Pro), also known as Hb Dartmouth, results in a non-conservative amino acid change in the encoded protein sequence. Five of five in-silico tools predict a damaging effect of the variant on protein function. The variant was absent in 133748 control chromosomes (gnomAD). c.200T>C has been reported in the literature in individuals affected with Hb H disease with severe anemia that required transfusions. One pair of twins was heterozygous with the variant and a southeast asian deletion of HBA1 and HBA2 in trans (McBride_2001), while another case was homozygous for the variant without an HBA1 variant reported (Farashi_2015). These data indicate that the variant is likely to be associated with disease. To our knowledge, no experimental evidence demonstrating an impact on protein function has been reported. The following publications have been ascertained in the context of this evaluation (PMID: 11791870, 25976777). ClinVar contains an entry for this variant (Variation ID: 15669). Based on the evidence outlined above, the variant was classified as likely pathogenic.

ARUP Laboratories, Molecular Genetics and Genomics, ARUP Laboratories
Classification: Pathogenic. Last evaluated: 2024-04-08. Review status: criteria provided, single submitter. Criteria: ARUP Molecular Germline Variant Investigation Process 2024. Collection method: clinical testing. Allele origin: germline.
Comment: The Hb Dartmouth variant (HBA2: c.200T>C; p.Leu67Pro, also known as Leu66Pro when numbered from the mature protein, rs41323248, HbVar ID: 916, ClinVar ID: 15669) is reported heterozygous in individuals with hypochromic microcytic anemia or silent carriers (Farashi 2015, Lorey 2001, McBride 2001). Hb Dartmouth has also been found homozygous or compound heterozygous with a deletion of the entire alpha globin gene cluster in individuals with Hb H disease (Farashi 2015, Lorey 2001, McBride 2001). This variant is believed to be hyper- unstable due to the absence of any detectable abnormal hemoglobin (McBride 2001). This variant is absent from the Genome Aggregation Database (v2.1.1), indicating it is not a common polymorphism. Computational analyses predict that this variant is deleterious (REVEL: 0.897). Based on available information, this variant is considered to be pathogenic. References: Link to HbVar database: Farashi S et al. Hb Dartmouth (HBA2: c.200T>C): An a2-Globin Gene Associated with Hb H Disease in One Homozygous Patient. Hemoglobin. 2015;39(3):152-5. PMID: 25976777. Lorey F et al. Hb H hydrops foetalis syndrome: a case report and review of literature. Br J Haematol. 2001 Oct;115(1):72-8. PMID: 11722414. McBride KL et al. Hb Dartmouth [alpha66(E15)Leu-->Pro (alpha2) (CTG-->CCG)]: a novel alpha2-globin gene mutation associated with severe neonatal anemia when inherited in trans with Southeast Asian alpha-thalassemia-1. Hemoglobin. 2001 Nov;25(4):375-82. PMID: 11791870.

OMIM
Classification: other for HEMOGLOBIN DARTMOUTH. Last evaluated: 2016-10-13. Review status: no assertion criteria provided. Collection method: literature only. Allele origin: germline. Not counted in ClinVar's aggregate classification.

Literature cited by the submitters: PubMed 25976777 (cited by Natera, Inc. and Women's Health and Genetics/Laboratory Corporation of America, LabCorp); PubMed 11791870 (cited by 3 submitters).

NM_000517.6(HBA2):c.200T>C (p.Leu67Pro)

Genes: HBA2 (hemoglobin subunit alpha 2; plus strand), LOC106804612 (hemoglobin subunit alpha 2 recombination region; plus strand). Cytogenetic location: 16p13.3.
Variant type: single nucleotide variant.
Coding change: c.200T>C on transcript NM_000517.6 (MANE Select); coding-DNA position 200, T replaced by C.
Protein change: p.Leu67Pro; replaces leucine 67 with proline.
Molecular consequence: missense variant.
Genome position (GRCh38, 1-based): chr16:173,229, T>C. VCF-style: chr16-173229-T-C. GRCh37 (hg19) VCF-style: chr16-223228-T-C.
Other names: L66P; c.200T>C (NM_000517.5); short protein forms L67P.
Identifiers: ClinVar variation 15669 (VCV000015669.5), dbSNP rs41323248, ClinGen allele CA125625.
Genomic context (GRCh38, chr16:173,229, plus strand): 5'-TCGACCTGAGCCACGGCTCTGCCCAGGTTAAGGGCCACGGCAAGAAGGTGGCCGACGCGC[T>C]GACCAACGCCGTGGCGCACGTGGACGACATGCCCAACGCGCTGTCCGCCCTGAGCGACCT-3'
Protein context (NP_000508.1, residues 57-77): KGHGKKVADA[Leu67Pro]TNAVAHVDDM